The following is an entry in ClinVar:

NM_018723.4(RBFOX1):c.931-3T>C

Gene: RBFOX1 (RNA binding fox-1 homolog 1; plus strand). Cytogenetic location: 16p13.3.
Variant type: single nucleotide variant.
Coding change: c.931-3T>C on transcript NM_018723.4 (MANE Select); 3 bases into the intron before coding-DNA position 931, T replaced by C.
Molecular consequence: intron variant.
Genome position (GRCh38, 1-based): chr16:7,676,771, T>C. VCF-style: chr16-7676771-T-C. GRCh37 (hg19) VCF-style: chr16-7726773-T-C.
Other names: c.931-3T>C (NM_001364800.2, NM_001142334.2); c.850-3T>C (NM_001142333.2); c.1060-3T>C (NM_001308117.1); c.994-3T>C (NM_145893.3, NM_145891.3, NM_145892.3).
Identifiers: ClinVar variation 649949 (VCV000649949.9), dbSNP rs1597853857, ClinGen allele CA645592609.

ClinVar aggregate classification (germline): Uncertain significance (1 of 4 stars; one submission).

Conditions:
Idiopathic generalized epilepsy. Also called: Generalised epilepsy; EIG. Identifiers: MedGen C0270850, MONDO:0005579, OMIM 600669.

Allele frequency attached by ClinVar (database versions not stated): TOPMed below 0.00001; gnomAD exomes 0.00001.
gnomAD v4.1: 8 of 1,612,138 alleles (0.0005%); highest among the groups gnomAD compares: Admixed American, 0.012%; no homozygotes.

Submission:

Labcorp Genetics (formerly Invitae), Labcorp
Classification: Uncertain significance for Idiopathic generalized epilepsy. Last evaluated: 2024-10-23. Review status: criteria provided, single submitter. Criteria: Invitae Variant Classification Sherloc (09022015). Collection method: clinical testing. Allele origin: germline.
Comment: This sequence change falls in intron 10 of the RBFOX1 gene. It does not directly change the encoded amino acid sequence of the RBFOX1 protein. It affects a nucleotide within the consensus splice site. This variant is not present in population databases (gnomAD no frequency). This variant has not been reported in the literature in individuals affected with RBFOX1-related conditions. ClinVar contains an entry for this variant (Variation ID: 649949). Variants that disrupt the consensus splice site are a relatively common cause of aberrant splicing (PMID: 17576681, 9536098). Algorithms developed to predict the effect of sequence changes on RNA splicing suggest that this variant is not likely to affect RNA splicing. In summary, the available evidence is currently insufficient to determine the role of this variant in disease. Therefore, it has been classified as a Variant of Uncertain Significance.

Literature cited by the submitters: PubMed 17576681; PubMed 9536098.